The following is an entry in ClinVar:

ClinVar aggregate classification (germline): Likely benign (1 of 4 stars; one submission).

Conditions:
NPHP1-related disorder. Also called: NPHP1-related condition; NPHP1-related disorders.

gnomAD v4.1: 1 of 1,612,918 alleles (0.000062%); highest among the groups gnomAD compares: Admixed American, 0.0017%; no homozygotes.

Submission:

PreventionGenetics, part of Exact Sciences
Classification: Likely benign for NPHP1-related condition. Last evaluated: 2024-12-17. Review status: criteria provided, single submitter. Criteria: ACMG Guidelines, 2015. Collection method: clinical testing. Allele origin: germline.
Comment: This variant is classified as likely benign based on ACMG/AMP sequence variant interpretation guidelines (Richards et al. 2015 PMID: 25741868, with internal and published modifications).

NM_001128178.3(NPHP1):c.549A>G (p.Glu183=)

Gene: NPHP1 (nephrocystin 1; minus strand). Cytogenetic location: 2q13.
Variant type: single nucleotide variant.
Coding change: c.549A>G on transcript NM_001128178.3 (MANE Select); coding-DNA position 549, A replaced by G.
Protein change: p.Glu183=; no amino-acid change (glutamic acid 183 retained).
Molecular consequence: synonymous variant.
Genome position (GRCh38, 1-based): chr2:110,168,527, T>C on the plus strand (A>G on the coding strand, the complement: NPHP1 is on the minus strand). VCF-style: chr2-110168527-T-C. GRCh37 (hg19) VCF-style: chr2-110926104-T-C.
Other names: c.549A>G, p.Glu183= (NM_000272.5, NM_001374256.1, NM_001374257.1 and 1 more transcripts); c.363A>G, p.Glu121= (NM_001128179.3).
Identifiers: ClinVar variation 5000166 (VCV005000166.1).